The following is an entry in ClinVar:

NM_020461.4(TUBGCP6):c.984A>C (p.Gln328His)

Gene: TUBGCP6 (tubulin gamma complex component 6; minus strand). Cytogenetic location: 22q13.33.
Variant type: single nucleotide variant.
Coding change: c.984A>C on transcript NM_020461.4 (MANE Select); coding-DNA position 984, A replaced by C.
Protein change: p.Gln328His; replaces glutamine 328 with histidine.
Molecular consequence: missense variant.
Genome position (GRCh38, 1-based): chr22:50,233,448, T>G on the plus strand (A>C on the coding strand, the complement: TUBGCP6 is on the minus strand). VCF-style: chr22-50233448-T-G. GRCh37 (hg19) VCF-style: chr22-50671877-T-G.
Other names: c.984A>C (NM_020461.3); short protein forms Q328H.
Identifiers: ClinVar variation 1346396 (VCV001346396.8), dbSNP rs369841316, ClinGen allele CA10308867.

ClinVar aggregate classification (germline): Uncertain significance. Review status: criteria provided, multiple submitters, no conflicts (2 of 4 stars). 2 submissions from 2 submitters: Uncertain significance (2). Last evaluated 2024-10-29.

Conditions:
Inborn genetic diseases. Identifiers: MedGen C0950123, MeSH D030342.

Allele frequency attached by ClinVar (database versions not stated): ExAC 0.00002; gnomAD exomes 0.00002; TOPMed 0.00005; gnomAD 0.00006 and 0.00007; ESP Exome Variant Server 0.00015; 1000 Genomes Project 30x 0.00016; 1000 Genomes Project 0.00020.

Submissions (2):

Ambry Genetics
Classification: Uncertain significance for Inborn genetic diseases. Last evaluated: 2024-10-29. Review status: criteria provided, single submitter. Criteria: Ambry Variant Classification Scheme 2023. Collection method: clinical testing. Allele origin: germline.

Labcorp Genetics (formerly Invitae), Labcorp
Classification: Uncertain significance. Last evaluated: 2024-10-03. Review status: criteria provided, single submitter. Criteria: Invitae Variant Classification Sherloc (09022015). Collection method: clinical testing. Allele origin: germline.
Comment: This sequence change replaces glutamine, which is neutral and polar, with histidine, which is basic and polar, at codon 328 of the TUBGCP6 protein (p.Gln328His). This variant is present in population databases (rs369841316, gnomAD 0.03%). This variant has not been reported in the literature in individuals affected with TUBGCP6-related conditions. ClinVar contains an entry for this variant (Variation ID: 1346396). An algorithm developed to predict the effect of missense changes on protein structure and function outputs the following: PolyPhen-2: "Benign". The histidine amino acid residue is found in multiple mammalian species, which suggests that this missense change does not adversely affect protein function. In summary, the available evidence is currently insufficient to determine the role of this variant in disease. Therefore, it has been classified as a Variant of Uncertain Significance.